The following is an entry in ClinVar:

ClinVar aggregate classification (germline): Uncertain significance (1 of 4 stars; one submission).

Conditions:
Inborn genetic diseases. Identifiers: MedGen C0950123, MeSH D030342.

Submission:

Ambry Genetics
Classification: Uncertain significance for Inborn genetic diseases. Last evaluated: 2024-01-03. Review status: criteria provided, single submitter. Criteria: Ambry Variant Classification Scheme 2023. Collection method: clinical testing. Allele origin: germline.
Comment: The c.3552G>C (p.L1184F) alteration is located in exon 17 (coding exon 17) of the MED13L gene. This alteration results from a G to C substitution at nucleotide position 3552, causing the leucine (L) at amino acid position 1184 to be replaced by a phenylalanine (F). This variant was not reported in population-based cohorts in the Genome Aggregation Database (gnomAD). This amino acid position is well conserved in available vertebrate species. The in silico prediction for this alteration is inconclusive. Based on insufficient or conflicting evidence, the clinical significance of this alteration remains unclear.

NM_015335.5(MED13L):c.3552G>C (p.Leu1184Phe)

Gene: MED13L (mediator complex subunit 13L; minus strand). Cytogenetic location: 12q24.21.
Variant type: single nucleotide variant.
Coding change: c.3552G>C on transcript NM_015335.5 (MANE Select); coding-DNA position 3552, G replaced by C.
Protein change: p.Leu1184Phe; replaces leucine 1184 with phenylalanine.
Molecular consequence: missense variant.
Genome position (GRCh38, 1-based): chr12:115,991,402, C>G on the plus strand (G>C on the coding strand, the complement: MED13L is on the minus strand). VCF-style: chr12-115991402-C-G. GRCh37 (hg19) VCF-style: chr12-116429207-C-G.
Other names: short protein forms L1184F.
Identifiers: ClinVar variation 3124926 (VCV003124926.1), dbSNP rs2499856340, ClinGen allele CA386887478.